The following is an entry in ClinVar:

NM_003718.5(CDK13):c.3184G>A (p.Val1062Met)

Gene: CDK13 (cyclin dependent kinase 13; plus strand). Cytogenetic location: 7p14.1.
Variant type: single nucleotide variant.
Coding change: c.3184G>A on transcript NM_003718.5 (MANE Select); coding-DNA position 3184, G replaced by A.
Protein change: p.Val1062Met; replaces valine 1062 with methionine.
Molecular consequence: missense variant.
Genome position (GRCh38, 1-based): chr7:40,088,280, G>A. VCF-style: chr7-40088280-G-A. GRCh37 (hg19) VCF-style: chr7-40127879-G-A.
Other names: c.3184G>A, p.Val1062Met (NM_031267.4); short protein forms V1062M.
Identifiers: ClinVar variation 736866 (VCV000736866.11), dbSNP rs17496712, ClinGen allele CA4228886.
Genomic context (GRCh38, chr7:40,088,280, plus strand): 5'-GCCCCCAGGAAGGACTTGTCTCTGGGCTTGGATGACAGCAGAACCAACACACCCCAGGGT[G>A]TGCTGCCATCTTCACAGCTGAAATCTCAGGGCAGCTCAAATGTGGCACCTGGTCAGTAAT-3'
Protein context (NP_003709.3, residues 1052-1072): DDSRTNTPQG[Val1062Met]LPSSQLKSQG

ClinVar aggregate classification (germline): Likely benign. Review status: criteria provided, multiple submitters, no conflicts (2 of 4 stars). 3 submissions from 3 submitters: Likely benign (2). 1 of the submissions does not count toward it. Last evaluated 2025-12-09.

Conditions:
Inborn genetic diseases. Identifiers: MedGen C0950123, MeSH D030342.
CDK13-related disorder. Also called: CDK13-related condition. Identifiers: MedGen C5816700.

Allele frequency attached by ClinVar (database versions not stated): TOPMed 0.00136; ESP Exome Variant Server 0.00115; 1000 Genomes Project 30x 0.00187; gnomAD exomes 0.00011 and 0.00035; ExAC 0.00040; gnomAD 0.00133 and 0.00147; 1000 Genomes Project 0.00160.

Submissions (3):

Labcorp Genetics (formerly Invitae), Labcorp
Classification: Likely benign. Last evaluated: 2025-12-09. Review status: criteria provided, single submitter. Criteria: Invitae Variant Classification Sherloc (09022015). Collection method: clinical testing. Allele origin: germline.

Ambry Genetics
Classification: Likely benign for Inborn genetic diseases. Last evaluated: 2023-12-28. Review status: criteria provided, single submitter. Criteria: Ambry Variant Classification Scheme 2023. Collection method: clinical testing. Allele origin: germline.

PreventionGenetics, part of Exact Sciences
Classification: Likely benign for CDK13-related condition. Last evaluated: 2020-04-24. Review status: no assertion criteria provided. Collection method: clinical testing. Allele origin: germline. Not counted in ClinVar's aggregate classification.
Comment: This variant is classified as likely benign based on ACMG/AMP sequence variant interpretation guidelines (Richards et al. 2015 PMID: 25741868, with internal and published modifications).